The following is an entry in ClinVar:

ClinVar aggregate classification (germline): Uncertain significance (1 of 4 stars; one submission).

Conditions:
Pierson syndrome. Also called: MICROCORIA-CONGENITAL NEPHROTIC SYNDROME. Identifiers: Orphanet 2670, MedGen C1836876, MONDO:0012184, OMIM 609049.
LAMB2-related infantile-onset nephrotic syndrome. Also called: NEPHROTIC SYNDROME, TYPE 5, WITHOUT OCULAR ABNORMALITIES; NEPHROTIC SYNDROME, TYPE 5, WITH OCULAR ABNORMALITIES; Nephrotic Syndrome, type 5. Identifiers: Orphanet 306507, MedGen C3280113, MONDO:0013621, OMIM 614199.

Allele frequency attached by ClinVar (database versions not stated): gnomAD exomes below 0.00001; TOPMed below 0.00001.
gnomAD v4.1: 2 of 1,614,000 alleles (0.00012%); highest among the groups gnomAD compares: East Asian, 0.0045%; no homozygotes.

Submission:

Labcorp Genetics (formerly Invitae), Labcorp
Classification: Uncertain significance for LAMB2-related infantile-onset nephrotic syndrome; Pierson syndrome. Last evaluated: 2022-07-01. Review status: criteria provided, single submitter. Criteria: Invitae Variant Classification Sherloc (09022015). Collection method: clinical testing. Allele origin: germline.
Comment: In summary, the available evidence is currently insufficient to determine the role of this variant in disease. Therefore, it has been classified as a Variant of Uncertain Significance. Algorithms developed to predict the effect of missense changes on protein structure and function (SIFT, PolyPhen-2, Align-GVGD) all suggest that this variant is likely to be disruptive. This variant has not been reported in the literature in individuals affected with LAMB2-related conditions. This variant is not present in population databases (gnomAD no frequency). This sequence change replaces proline, which is neutral and non-polar, with serine, which is neutral and polar, at codon 825 of the LAMB2 protein (p.Pro825Ser).

NM_002292.4(LAMB2):c.2473C>T (p.Pro825Ser)

Gene: LAMB2 (laminin subunit beta 2; minus strand). Cytogenetic location: 3p21.31.
Variant type: single nucleotide variant.
Coding change: c.2473C>T on transcript NM_002292.4 (MANE Select); coding-DNA position 2473, C replaced by T.
Protein change: p.Pro825Ser; replaces proline 825 with serine.
Molecular consequence: missense variant.
Genome position (GRCh38, 1-based): chr3:49,125,762, G>A on the plus strand (C>T on the coding strand, the complement: LAMB2 is on the minus strand). VCF-style: chr3-49125762-G-A. GRCh37 (hg19) VCF-style: chr3-49163195-G-A.
Other names: short protein forms P825S.
Identifiers: ClinVar variation 2175469 (VCV002175469.4), dbSNP rs1455469769, ClinGen allele CA352721329.